The following is an entry in ClinVar:

NM_015213.4(DENND5A):c.1315C>T (p.Arg439Trp)

Gene: DENND5A (DENN domain containing 5A; minus strand). Cytogenetic location: 11p15.4.
Variant type: single nucleotide variant.
Coding change: c.1315C>T on transcript NM_015213.4 (MANE Select); coding-DNA position 1315, C replaced by T.
Protein change: p.Arg439Trp; replaces arginine 439 with tryptophan.
Molecular consequence: missense variant. On other transcripts: non-coding transcript variant (1).
Genome position (GRCh38, 1-based): chr11:9,180,907, G>A on the plus strand (C>T on the coding strand, the complement: DENND5A is on the minus strand). VCF-style: chr11-9180907-G-A. GRCh37 (hg19) VCF-style: chr11-9202454-G-A.
Other names: c.1315C>T, p.Arg439Trp (NM_001243254.2, NM_001348748.1); c.1243C>T, p.Arg415Trp (NM_001348749.2); c.1027C>T, p.Arg343Trp (NM_001348750.2); c.1315C>T (NM_015213.3); short protein forms R343W, R415W, R439W.
Identifiers: ClinVar variation 2146495 (VCV002146495.2), dbSNP rs376474189, ClinGen allele CA5877635.
Genomic context (GRCh38, chr11:9,180,907, plus strand): 5'-AATGCAAAGGGGAGCCAGCAATGTTCCCATTCCTCTTGTCCGAGACAAGCTCAGAGGCCC[G>A]CAGCCTCTTCAGCTTGGAGGCACTCTCACTGCAATGAAGATTCCCTTCAGGGGGAATTCC-3'
Protein context (NP_056028.2, residues 429-449): SESASKLKRL[Arg439Trp]ASELVSDKRN

ClinVar aggregate classification (germline): Uncertain significance. Review status: criteria provided, multiple submitters, no conflicts (2 of 4 stars). 2 submissions from 2 submitters: Uncertain significance (2). Last evaluated 2024-05-24.

Conditions:
Inborn genetic diseases. Identifiers: MedGen C0950123, MeSH D030342.

Allele frequency attached by ClinVar (database versions not stated): gnomAD exomes 0.00001; ExAC 0.00002; gnomAD 0.00002; TOPMed 0.00005; ESP Exome Variant Server 0.00008.
gnomAD v4.1: 14 of 1,614,000 alleles (0.00087%); highest among the groups gnomAD compares: Admixed American, 0.0067%; no homozygotes.

Submissions (2):

Ambry Genetics
Classification: Uncertain significance for Inborn genetic diseases. Last evaluated: 2024-05-24. Review status: criteria provided, single submitter. Criteria: Ambry Variant Classification Scheme 2023. Collection method: clinical testing. Allele origin: germline.

Labcorp Genetics (formerly Invitae), Labcorp
Classification: Uncertain significance. Last evaluated: 2022-08-01. Review status: criteria provided, single submitter. Criteria: Invitae Variant Classification Sherloc (09022015). Collection method: clinical testing. Allele origin: germline.
Comment: This sequence change replaces arginine, which is basic and polar, with tryptophan, which is neutral and slightly polar, at codon 439 of the DENND5A protein (p.Arg439Trp). This variant is present in population databases (rs376474189, gnomAD 0.009%). This variant has not been reported in the literature in individuals affected with DENND5A-related conditions. Algorithms developed to predict the effect of missense changes on protein structure and function are either unavailable or do not agree on the potential impact of this missense change (SIFT: "Deleterious"; PolyPhen-2: "Possibly Damaging"; Align-GVGD: "Class C0"). In summary, the available evidence is currently insufficient to determine the role of this variant in disease. Therefore, it has been classified as a Variant of Uncertain Significance.